The following is an entry in ClinVar:

ClinVar aggregate classification (germline): Uncertain significance (1 of 4 stars; one submission).

gnomAD v4.1: 5 of 1,480,368 alleles (0.00034%); highest among the groups gnomAD compares: Non-Finnish European, 0.00045%; no homozygotes.

Submissions (2):

Labcorp Genetics (formerly Invitae), Labcorp
Classification: Uncertain significance. Last evaluated: 2025-09-15. Review status: criteria provided, single submitter. Criteria: Invitae Variant Classification Sherloc (09022015). Collection method: clinical testing. Allele origin: germline.
Comment: This sequence change replaces methionine, which is neutral and non-polar, with isoleucine, which is neutral and non-polar, at codon 57 of the ANXA11 protein (p.Met57Ile). This variant also falls at the last nucleotide of exon 3, which is part of the consensus splice site for this exon. This variant is present in population databases (rs148614357, gnomAD 0.003%). This variant has not been reported in the literature in individuals affected with ANXA11-related conditions. Experimental studies and prediction algorithms are not available or were not evaluated, and the functional significance of this variant is currently unknown. Variants that disrupt the consensus splice site are a relatively common cause of aberrant splicing (PMID: 17576681, 9536098). In summary, the available evidence is currently insufficient to determine the role of this variant in disease. Therefore, it has been classified as a Variant of Uncertain Significance.

Dr. Peter K. Rogan Lab, Western University
No classification provided (evidence only). Condition: Familial cancer of breast. Review status: no classification provided. Collection method: in vitro. Allele origin: not applicable. Functional consequence: skipped exon. Not counted in ClinVar's aggregate classification.

Literature cited by the submitters: PubMed 17576681 (cited by Labcorp Genetics (formerly Invitae), Labcorp); PubMed 9536098 (cited by Labcorp Genetics (formerly Invitae), Labcorp).

NM_145868.2(ANXA11):c.171G>T (p.Met57Ile)

Gene: ANXA11 (annexin A11; minus strand). Cytogenetic location: 10q22.3.
Variant type: single nucleotide variant.
Coding change: c.171G>T on transcript NM_145868.2 (MANE Select); coding-DNA position 171, G replaced by T.
Protein change: p.Met57Ile; replaces methionine 57 with isoleucine.
Molecular consequence: missense variant.
Genome position (GRCh38, 1-based): chr10:80,170,800, C>A on the plus strand (G>T on the coding strand, the complement: ANXA11 is on the minus strand). VCF-style: chr10-80170800-C-A. GRCh37 (hg19) VCF-style: chr10-81930556-C-A.
Other names: NC_000010.10:g.81930556C>A; c.171G>T, p.Met57Ile (NM_001157.3, NM_001278407.2, NM_001278408.2 and 1 more transcripts); c.72G>T, p.Met24Ile (NM_001278409.2); short protein forms M24I, M57I.
Identifiers: ClinVar variation 4365520 (VCV004365520.2).